The following is an entry in ClinVar:

NM_004168.4(SDHA):c.895+1G>T

Gene: SDHA (succinate dehydrogenase complex flavoprotein subunit A; plus strand). Cytogenetic location: 5p15.33.
Variant type: single nucleotide variant.
Coding change: c.895+1G>T on transcript NM_004168.4 (MANE Select); the canonical splice donor site of the intron after coding-DNA position 895, G replaced by T.
Molecular consequence: splice donor variant.
Genome position (GRCh38, 1-based): chr5:231,001, G>T. VCF-style: chr5-231001-G-T. GRCh37 (hg19) VCF-style: chr5-231116-G-T.
Other names: c.895+1G>T (NM_001330758.2); c.751+1G>T (NM_001294332.2).
Identifiers: ClinVar variation 4533069 (VCV004533069.1).

ClinVar aggregate classification (germline): Likely pathogenic (1 of 4 stars; one submission).

Submission:

Quest Diagnostics Nichols Institute San Juan Capistrano
Classification: Likely pathogenic. Last evaluated: 2025-10-09. Review status: criteria provided, single submitter. Criteria: Quest Diagnostics criteria. Collection method: clinical testing. Allele origin: unknown.
Comment: The SDHA c.895+1G>T variant disrupts a canonical splice-donor site and is predicted to interfere with normal SDHA mRNA splicing. This variant has not been reported in individuals with SDHA-related conditions in the published literature. This variant has not been reported in large, multi-ethnic general populations (Genome Aggregation Database). Based on the available information, this variant is classified as likely pathogenic.